The following is an entry in ClinVar:

NM_015512.5(DNAH1):c.7099G>A (p.Ala2367Thr)

Gene: DNAH1 (dynein axonemal heavy chain 1; plus strand). Cytogenetic location: 3p21.1.
Variant type: single nucleotide variant.
Coding change: c.7099G>A on transcript NM_015512.5 (MANE Select); coding-DNA position 7099, G replaced by A.
Protein change: p.Ala2367Thr; replaces alanine 2367 with threonine.
Molecular consequence: missense variant.
Genome position (GRCh38, 1-based): chr3:52,375,353, G>A. VCF-style: chr3-52375353-G-A. GRCh37 (hg19) VCF-style: chr3-52409369-G-A.
Other names: short protein forms A2367T.
Identifiers: ClinVar variation 864753 (VCV000864753.6), dbSNP rs199920193, ClinGen allele CA2434753.
Genomic context (GRCh38, chr3:52,375,353, plus strand): 5'-GGTGGAGGCAGGAACACCGTCACCCCGCGGCTGATGCGTCACTTCAACTACCTGTCTTTC[G>A]CTGAGATGGACGAGGTCAGCAAGAAACGCATCTTCTCCACCATCCTGGGCAACTGGTTGG-3'
Protein context (NP_056327.4, residues 2357-2377): LMRHFNYLSF[Ala2367Thr]EMDEVSKKRI

ClinVar aggregate classification (germline): Conflicting classifications of pathogenicity. Review status: criteria provided, conflicting classifications (1 of 4 stars). 2 submissions from 2 submitters: Uncertain significance (1); Likely benign (1). Last evaluated 2023-12-06.

Conditions:
Spermatogenic failure 18. Identifiers: MedGen C4539783, MONDO:0054615, OMIM 617576.
Ciliary dyskinesia, primary, 37 (CILD37). Also called: CILIARY DYSKINESIA, PRIMARY, 37, WITH OR WITHOUT SITUS INVERSUS. Identifiers: MedGen C4539798, MONDO:0033204, OMIM 617577.

Allele frequency attached by ClinVar (database versions not stated): 1000 Genomes Project 0.00020; 1000 Genomes Project 30x 0.00031; gnomAD 0.00009 and 0.00011; TOPMed 0.00009.
gnomAD v4.1: 38 of 1,613,648 alleles (0.0024%); highest among the groups gnomAD compares: Admixed American, 0.033%; no homozygotes.

Submissions (2):

Labcorp Genetics (formerly Invitae), Labcorp
Classification: Uncertain significance for Ciliary dyskinesia, primary, 37; Spermatogenic failure 18. Last evaluated: 2023-12-06. Review status: criteria provided, single submitter. Criteria: Invitae Variant Classification Sherloc (09022015). Collection method: clinical testing. Allele origin: germline.
Comment: This sequence change replaces alanine, which is neutral and non-polar, with threonine, which is neutral and polar, at codon 2367 of the DNAH1 protein (p.Ala2367Thr). This variant is present in population databases (rs199920193, gnomAD 0.009%). This variant has not been reported in the literature in individuals affected with DNAH1-related conditions. ClinVar contains an entry for this variant (Variation ID: 864753). Advanced modeling of protein sequence and biophysical properties (such as structural, functional, and spatial information, amino acid conservation, physicochemical variation, residue mobility, and thermodynamic stability) performed at Invitae indicates that this missense variant is not expected to disrupt DNAH1 protein function with a negative predictive value of 80%. In summary, the available evidence is currently insufficient to determine the role of this variant in disease. Therefore, it has been classified as a Variant of Uncertain Significance.

Ambry Genetics
Classification: Likely benign. Last evaluated: 2023-10-05. Review status: criteria provided, single submitter. Criteria: Ambry Variant Classification Scheme 2023. Collection method: clinical testing. Allele origin: germline.